The following is an entry in ClinVar:

ClinVar aggregate classification (germline): Uncertain significance (1 of 4 stars; one submission).

Conditions:
Birt-Hogg-Dube syndrome. Also called: Birt Hogg Dubé syndrome. Identifiers: Orphanet 122, MedGen C0346010, MONDO:0800444.

Submission:

Labcorp Genetics (formerly Invitae), Labcorp
Classification: Uncertain significance for Birt-Hogg-Dube syndrome. Last evaluated: 2024-09-22. Review status: criteria provided, single submitter. Criteria: Invitae Variant Classification Sherloc (09022015). Collection method: clinical testing. Allele origin: germline.
Comment: This sequence change replaces glutamic acid, which is acidic and polar, with lysine, which is basic and polar, at codon 487 of the FLCN protein (p.Glu487Lys). This variant is not present in population databases (gnomAD no frequency). This variant has not been reported in the literature in individuals affected with FLCN-related conditions. Invitae Evidence Modeling of protein sequence and biophysical properties (such as structural, functional, and spatial information, amino acid conservation, physicochemical variation, residue mobility, and thermodynamic stability) indicates that this missense variant is not expected to disrupt FLCN protein function with a negative predictive value of 80%. In summary, the available evidence is currently insufficient to determine the role of this variant in disease. Therefore, it has been classified as a Variant of Uncertain Significance.

NM_144997.7(FLCN):c.1459G>A (p.Glu487Lys)

Gene: FLCN (folliculin; minus strand). Cytogenetic location: 17p11.2.
Variant type: single nucleotide variant.
Coding change: c.1459G>A on transcript NM_144997.7 (MANE Select); coding-DNA position 1459, G replaced by A.
Protein change: p.Glu487Lys; replaces glutamic acid 487 with lysine.
Molecular consequence: missense variant.
Genome position (GRCh38, 1-based): chr17:17,215,064, C>T on the plus strand (G>A on the coding strand, the complement: FLCN is on the minus strand). VCF-style: chr17-17215064-C-T. GRCh37 (hg19) VCF-style: chr17-17118378-C-T.
Other names: c.1513G>A, p.Glu505Lys (NM_001353229.2); c.1459G>A, p.Glu487Lys (NM_001353230.2, NM_001353231.2); short protein forms E487K, E505K.
Identifiers: ClinVar variation 3671911 (VCV003671911.2).
Genomic context (GRCh38, chr17:17,215,064, plus strand): 5'-GGCAGACGAGGCACTGGTCCACCACATCCACAGACAGGTTCTGGTTGGTCAGAGCCGCTT[C>T]AATCTTATTCAGGATGGTGGGGCCCACTGGGGAGAAGGGCAGGGGCAGAGCAAGGGCAGG-3'
Protein context (NP_659434.2, residues 477-497): RVGPTILNKI[Glu487Lys]AALTNQNLSV